The following is an entry in ClinVar:

ClinVar aggregate classification (germline): Uncertain significance (1 of 4 stars; one submission).

Allele frequency attached by ClinVar (database versions not stated): gnomAD 0.00001.
gnomAD v4.1: 5 of 1,612,460 alleles (0.00031%); highest among the groups gnomAD compares: Admixed American, 0.0083%; no homozygotes.

Submission:

Labcorp Genetics (formerly Invitae), Labcorp
Classification: Uncertain significance. Last evaluated: 2024-11-19. Review status: criteria provided, single submitter. Criteria: Invitae Variant Classification Sherloc (09022015). Collection method: clinical testing. Allele origin: germline.
Comment: This sequence change replaces methionine, which is neutral and non-polar, with isoleucine, which is neutral and non-polar, at codon 848 of the UNC45A protein (p.Met848Ile). This variant is not present in population databases (gnomAD no frequency). This variant has not been reported in the literature in individuals affected with UNC45A-related conditions. ClinVar contains an entry for this variant (Variation ID: 1935391). Invitae Evidence Modeling of protein sequence and biophysical properties (such as structural, functional, and spatial information, amino acid conservation, physicochemical variation, residue mobility, and thermodynamic stability) indicates that this missense variant is not expected to disrupt UNC45A protein function with a negative predictive value of 80%. In summary, the available evidence is currently insufficient to determine the role of this variant in disease. Therefore, it has been classified as a Variant of Uncertain Significance.

NM_018671.5(UNC45A):c.2544G>A (p.Met848Ile)

Genes: RCCD1-AS1 (RCCD1 and UNC45A antisense RNA 1; minus strand), UNC45A (unc-45 myosin chaperone A; plus strand). Cytogenetic location: 15q26.1.
Variant type: single nucleotide variant.
Coding change: c.2544G>A on transcript NM_018671.5 (MANE Select); coding-DNA position 2544, G replaced by A.
Protein change: p.Met848Ile; replaces methionine 848 with isoleucine.
Molecular consequence: missense variant.
Genome position (GRCh38, 1-based): chr15:90,953,277, G>A. VCF-style: chr15-90953277-G-A. GRCh37 (hg19) VCF-style: chr15-91496507-G-A.
Other names: c.2499G>A, p.Met833Ile (NM_001039675.2, NM_001323621.2); c.2544G>A, p.Met848Ile (NM_001323619.1); c.2109G>A, p.Met703Ile (NM_001323620.2); short protein forms M833I, M848I, M703I.
Identifiers: ClinVar variation 1935391 (VCV001935391.4), dbSNP rs1596246655, ClinGen allele CA393862742.